The following is an entry in ClinVar:

ClinVar aggregate classification (germline): Likely benign. Review status: criteria provided, single submitter (1 of 4 stars). 2 submissions from 2 submitters: Likely benign (1). 1 of the submissions does not count toward it. Last evaluated 2024-04-17.

Conditions:
MSH3-related disorder. Also called: MSH3-related condition.

Submissions (2):

Labcorp Genetics (formerly Invitae), Labcorp
Classification: Likely benign. Last evaluated: 2024-04-17. Review status: criteria provided, single submitter. Criteria: Invitae Variant Classification Sherloc (09022015). Collection method: clinical testing. Allele origin: germline.

PreventionGenetics, part of Exact Sciences
Classification: Likely benign for MSH3-related condition. Last evaluated: 2024-02-27. Review status: no assertion criteria provided. Collection method: clinical testing. Allele origin: germline. Not counted in ClinVar's aggregate classification.
Comment: This variant is classified as likely benign based on ACMG/AMP sequence variant interpretation guidelines (Richards et al. 2015 PMID: 25741868, with internal and published modifications).

NM_002439.5(MSH3):c.2436-17TGC[2]

Gene: MSH3 (mutS homolog 3; plus strand). Cytogenetic location: 5q14.1.
Variant type: Microsatellite.
Coding change: c.2436-17TGC[2] on transcript NM_002439.5 (MANE Select); two copies in a row of the 3-base unit TGC starting at c.2436-17.
Molecular consequence: intron variant.
Genome position: GRCh38 VCF-style: chr5-80787547-TTGC-T. GRCh37 (hg19) VCF-style: chr5-80083366-TTGC-T.
Other names: c.2436-10_2436-8delGCT (NM_002439.4).
Identifiers: ClinVar variation 1643076 (VCV001643076.10), dbSNP rs1744530312, ClinGen allele CA1077992152.